The following is an entry in ClinVar:

ClinVar aggregate classification (germline): Pathogenic/Likely pathogenic. Review status: criteria provided, multiple submitters, no conflicts (2 of 4 stars). 3 submissions from 3 submitters: Pathogenic (1); Likely pathogenic (2). Last evaluated 2025-08-11.

Conditions:
Fanconi anemia (FA). Also called: Fanconi's anemia. Identifiers: Orphanet 84, MedGen C0015625, MeSH D005199, MONDO:0019391.
Spermatogenic failure 28. Identifiers: MedGen C4748117, MONDO:0054732, OMIM 618086.
Premature ovarian failure 15. Identifiers: MedGen C4748170, MONDO:0054862, OMIM 618096.

Submissions (3):

Dasa
Classification: Likely pathogenic. Last evaluated: 2025-08-11. Review status: criteria provided, single submitter. Criteria: DASA Assertion Criteria. Collection method: clinical testing. Allele origin: germline.
Comment: NM_020937.4(FANCM):c.865_881del (p.Leu289*) is a nonsense variant in FANCM predicted to introduce a premature termination codon and is predicted to result in an absent or altered protein product. Loss of function is an established disease mechanism for FANCM-associated disorders. Also, this variant is rare in population databases. Based on the currently available evidence, this variant is classified as likely pathogenic.

Fulgent Genetics
Classification: Likely pathogenic for Spermatogenic failure 28; Premature ovarian failure 15. Last evaluated: 2024-01-09. Review status: criteria provided, single submitter. Criteria: ACMG Guidelines, 2015. Collection method: clinical testing. Allele origin: germline.

Labcorp Genetics (formerly Invitae), Labcorp
Classification: Pathogenic for Fanconi anemia. Last evaluated: 2023-12-31. Review status: criteria provided, single submitter. Criteria: Invitae Variant Classification Sherloc (09022015). Collection method: clinical testing. Allele origin: germline.
Comment: This sequence change creates a premature translational stop signal (p.Leu289*) in the FANCM gene. It is expected to result in an absent or disrupted protein product. Loss-of-function variants in FANCM are known to be pathogenic (PMID: 29895858, 30075111). This variant is not present in population databases (gnomAD no frequency). This variant has not been reported in the literature in individuals affected with FANCM-related conditions. For these reasons, this variant has been classified as Pathogenic.

Literature cited by the submitters: PubMed 29895858 (cited by Labcorp Genetics (formerly Invitae), Labcorp); PubMed 30075111 (cited by Labcorp Genetics (formerly Invitae), Labcorp).

NM_020937.4(FANCM):c.865_881del (p.Lys288_Leu289insTer)

Gene: FANCM (FA complementation group M; plus strand). Cytogenetic location: 14q21.2.
Variant type: Deletion.
Coding change: c.865_881del on transcript NM_020937.4 (MANE Select); coding-DNA positions 865 to 881, 17 bases deleted (CTTATTGTTCCGCTTGG).
Protein change: p.Lys288_Leu289insTer.
Molecular consequence: nonsense.
Genome position (GRCh38, 1-based): chr14:45,148,942-45,148,958, CTTATTGTTCCGCTTGG deleted; deleting any 17 consecutive bases within chr14:45,148,941-45,148,958 gives the same sequence; the c. name uses the placement nearest the transcript's 3' end. VCF-style (leftmost placement, unchanged base first): chr14-45148940-AGCTTATTGTTCCGCTTG-A. GRCh37 (hg19) VCF-style: chr14-45618143-AGCTTATTGTTCCGCTTG-A.
Other names: c.787_803del, p.Lys262_Leu263insTer (NM_001308133.2); c.865_881del, p.Lys288_Leu289insTer (NM_001308134.2).
Identifiers: ClinVar variation 2770796 (VCV002770796.6), dbSNP rs2503084712, ClinGen allele CA2624697116.